The following is an entry in ClinVar:

ClinVar aggregate classification (germline): Benign/Likely benign. Review status: criteria provided, multiple submitters, no conflicts (2 of 4 stars). 10 submissions from 10 submitters: Benign (2); Likely benign (7). 1 of the submissions does not count toward it. Last evaluated 2026-01-15.

Conditions:
PNKP-related disorder. Also called: PNKP-related disorders; PNKP-related condition.
Inborn genetic diseases. Identifiers: MedGen C0950123, MeSH D030342.
Developmental and epileptic encephalopathy, 12 (DEE12). Identifiers: MedGen C3150988, MONDO:0013389, OMIM 613722.

Allele frequency attached by ClinVar (database versions not stated): gnomAD exomes 0.00055 and 0.00091; ExAC 0.00094; gnomAD 0.00216 and 0.00232; 1000 Genomes Project 0.00240; ESP Exome Variant Server 0.00246; TOPMed 0.00277; 1000 Genomes Project 30x 0.00281.
gnomAD v4.1: 1,187 of 1,614,164 alleles (0.074%); highest among the groups gnomAD compares: African/African-American, 0.6%; 3 homozygotes.

Submissions (13):

Labcorp Genetics (formerly Invitae), Labcorp
Classification: Benign for Developmental and epileptic encephalopathy, 12. Last evaluated: 2026-01-15. Review status: criteria provided, single submitter. Criteria: Invitae Variant Classification Sherloc (09022015). Collection method: clinical testing. Allele origin: germline.

CeGaT Center for Human Genetics Tuebingen
Classification: Likely benign. Last evaluated: 2025-02-01. Review status: criteria provided, single submitter. Criteria: CeGaT Center For Human Genetics Tuebingen Variant Classification Criteria Version 2. Collection method: clinical testing. Allele origin: germline. Affected: yes. Observed: 2 variant alleles.
Comment: PNKP: BP4, BP7

Blueprint Genetics
Classification: Likely benign. Last evaluated: 2024-11-19. Review status: criteria provided, single submitter. Criteria: ACMG Guidelines, 2015. Collection method: clinical testing. Allele origin: germline.

Genetic Services Laboratory, University of Chicago
Classification: Likely benign. Last evaluated: 2019-12-13. Review status: criteria provided, single submitter. Criteria: ACMG Guidelines, 2015. Collection method: clinical testing. Allele origin: germline. Affected: no.

Athena Diagnostics
Classification: Likely benign. Last evaluated: 2019-07-08. Review status: criteria provided, single submitter. Criteria: Athena Diagnostics Criteria. Collection method: clinical testing. Allele origin: germline.

Ambry Genetics
Classification: Likely benign for Inborn genetic diseases. Last evaluated: 2018-12-01. Review status: criteria provided, single submitter. Criteria: Ambry Variant Classification Scheme 2023. Collection method: clinical testing. Allele origin: germline.

Eurofins Ntd Llc (ga)
Classification: Likely benign. Last evaluated: 2015-09-22. Review status: criteria provided, single submitter. Criteria: EGL Classification Definitions 2015. Collection method: clinical testing. Allele origin: germline. Observed: 1 variant allele, 1 heterozygote.

GeneDx
Classification: Benign. Last evaluated: 2013-02-20. Review status: criteria provided, single submitter. Criteria: GeneDx Variant Classification (06012015). Collection method: clinical testing. Allele origin: germline. Affected: yes.
Comment: This variant is considered likely benign or benign based on one or more of the following criteria: it is a conservative change, it occurs at a poorly conserved position in the protein, it is predicted to be benign by multiple in silico algorithms, and/or has population frequency not consistent with disease.

Breakthrough Genomics
Classification: Likely benign. Review status: criteria provided, single submitter. Criteria: ACMG Guidelines, 2015. Collection method: not provided. Allele origin: germline. Inheritance: Autosomal recessive inheritance. Affected: yes.

PreventionGenetics, part of Exact Sciences
Classification: Likely benign for PNKP-related condition. Last evaluated: 2019-12-16. Review status: no assertion criteria provided. Collection method: clinical testing. Allele origin: germline. Not counted in ClinVar's aggregate classification.
Comment: This variant is classified as likely benign based on ACMG/AMP sequence variant interpretation guidelines (Richards et al. 2015 PMID: 25741868, with internal and published modifications).

Dr. Peter K. Rogan Lab, Western University
No classification provided (evidence only). Condition: Malignant tumor of urinary bladder. Review status: no classification provided. Collection method: in vitro. Allele origin: not applicable. Functional consequence: retained intron. Not counted in ClinVar's aggregate classification.

Dr. Peter K. Rogan Lab, Western University
No classification provided (evidence only). Condition: Familial cancer of breast. Review status: no classification provided. Collection method: in vitro. Allele origin: not applicable. Functional consequence: retained intron. Not counted in ClinVar's aggregate classification.

Dr. Peter K. Rogan Lab, Western University
No classification provided (evidence only). Condition: Gastric cancer. Review status: no classification provided. Collection method: in vitro. Allele origin: not applicable. Functional consequence: retained intron. Not counted in ClinVar's aggregate classification.

NM_007254.4(PNKP):c.1497G>A (p.Leu499=)

Gene: PNKP (polynucleotide kinase 3'-phosphatase; minus strand). Cytogenetic location: 19q13.33.
Variant type: single nucleotide variant.
Coding change: c.1497G>A on transcript NM_007254.4 (MANE Select); coding-DNA position 1497, G replaced by A.
Protein change: p.Leu499=; no amino-acid change (leucine 499 retained).
Molecular consequence: synonymous variant.
Genome position (GRCh38, 1-based): chr19:49,861,317, C>T on the plus strand (G>A on the coding strand, the complement: PNKP is on the minus strand). VCF-style: chr19-49861317-C-T. GRCh37 (hg19) VCF-style: chr19-50364574-C-T.
Other names: p.L499L:CTG>CTA.
Identifiers: ClinVar variation 95481 (VCV000095481.53), dbSNP rs142199280, ClinGen allele CA251148.